The following is an entry in ClinVar:

ClinVar aggregate classification (germline): Pathogenic/Likely pathogenic. Review status: criteria provided, multiple submitters, no conflicts (2 of 4 stars). 2 submissions from 2 submitters: Pathogenic (1); Likely pathogenic (1). Last evaluated 2024-01-20.

Conditions:
Hermansky-Pudlak syndrome 1 (HPS1). Also called: DELTA STORAGE POOL DISEASE. Identifiers: Orphanet 231500, Orphanet 79430, MedGen C2931875, MONDO:0008748, OMIM 203300.

Submissions (2):

Fulgent Genetics
Classification: Likely pathogenic for Hermansky-Pudlak syndrome 1. Last evaluated: 2024-01-20. Review status: criteria provided, single submitter. Criteria: ACMG Guidelines, 2015. Collection method: clinical testing. Allele origin: germline.

Labcorp Genetics (formerly Invitae), Labcorp
Classification: Pathogenic. Last evaluated: 2018-12-22. Review status: criteria provided, single submitter. Criteria: Invitae Variant Classification Sherloc (09022015). Collection method: clinical testing. Allele origin: germline.
Comment: This sequence change creates a premature translational stop signal (p.Ile184Argfs*39) in the HPS1 gene. It is expected to result in an absent or disrupted protein product. This variant is not present in population databases (ExAC no frequency). This variant has not been reported in the literature in individuals with HPS1-related conditions. Loss-of-function variants in HPS1 are known to be pathogenic (PMID: 12442288, 16185271). For these reasons, this variant has been classified as Pathogenic.

NM_000195.5(HPS1):c.551_552del (p.Ile184fs)

Gene: HPS1 (HPS1 biogenesis of lysosomal organelles complex 3 subunit 1; minus strand). Cytogenetic location: 10q24.2.
Variant type: Deletion.
Coding change: c.551_552del on transcript NM_000195.5 (MANE Select); coding-DNA positions 551 to 552, 2 bases deleted (TA; older notation c.551_552delTA).
Protein change: p.Ile184fs; shifts the reading frame from isoleucine 184.
Molecular consequence: frameshift variant. On other transcripts: 5 prime UTR variant (3), intron variant (5).
Genome position (GRCh38, 1-based): chr10:98,431,247-98,431,248, TA deleted on the plus strand (TA on the coding strand, the reverse complement: HPS1 is on the minus strand); deleting any 2 consecutive bases within chr10:98,431,247-98,431,249 gives the same sequence; the c. name uses the placement nearest the transcript's 3' end. VCF-style (leftmost placement, unchanged base first): chr10-98431246-CTA-C. GRCh37 (hg19) VCF-style: chr10-100191003-CTA-C.
Other names: c.-323_-322del (NM_001311345.2, NM_001322489.2); c.551_552del, p.Ile184fs (NM_001322476.2, NM_001322477.2, NM_001322478.2 and 3 more transcripts); c.182_183del, p.Ile61fs (NM_001322483.2, NM_001322484.2, NM_001322485.2); c.-422_-421del (NM_001322487.2); c.408-578_408-577del (NM_001322480.2, NM_001322482.2, NM_001322481.2); c.551-578_551-577del (NM_001322492.2, NM_001322490.2); short protein forms I184fs, I61fs.
Identifiers: ClinVar variation 658076 (VCV000658076.2), dbSNP rs1591092841, ClinGen allele CA915947519.